The following is an entry in ClinVar:

NM_001292034.3(TAB2):c.1219C>G (p.Leu407Val)

Genes: TAB2 (TGF-beta activated kinase 1 (MAP3K7) binding protein 2; plus strand), LOC126859827 (BRD4-independent group 4 enhancer GRCh37_chr6:149699707-149700906; plus strand). Cytogenetic location: 6q25.1.
Variant type: single nucleotide variant.
Coding change: c.1219C>G on transcript NM_001292034.3 (MANE Select); coding-DNA position 1219, C replaced by G.
Protein change: p.Leu407Val; replaces leucine 407 with valine.
Molecular consequence: missense variant.
Genome position (GRCh38, 1-based): chr6:149,379,134, C>G. VCF-style: chr6-149379134-C-G. GRCh37 (hg19) VCF-style: chr6-149700270-C-G.
Other names: c.1123C>G, p.Leu375Val (NM_001292035.3); c.1219C>G, p.Leu407Val (NM_001369506.1, NM_015093.6); short protein forms L407V, L375V.
Identifiers: ClinVar variation 3666651 (VCV003666651.2).
Genomic context (GRCh38, chr6:149,379,134, plus strand): 5'-GTCTATATTTCAGCGAATGCTGCCACAGGAGATGAACAGGTCATGCGGAATCAGCCCACA[C>G]TCTTCATATCCACAAACTCTGGAGCATCTGCTGCCTCCAGGAACATGTCTGGGCAAGTGA-3'
Protein context (NP_001278963.1, residues 397-417): DEQVMRNQPT[Leu407Val]FISTNSGASA

ClinVar aggregate classification (germline): Uncertain significance (1 of 4 stars; one submission).

Submission:

Labcorp Genetics (formerly Invitae), Labcorp
Classification: Uncertain significance. Last evaluated: 2025-04-28. Review status: criteria provided, single submitter. Criteria: Invitae Variant Classification Sherloc (09022015). Collection method: clinical testing. Allele origin: germline.
Comment: This sequence change replaces leucine, which is neutral and non-polar, with valine, which is neutral and non-polar, at codon 407 of the TAB2 protein (p.Leu407Val). This variant is not present in population databases (gnomAD no frequency). This variant has not been reported in the literature in individuals affected with TAB2-related conditions. ClinVar contains an entry for this variant (Variation ID: 3666651). Invitae Evidence Modeling of protein sequence and biophysical properties (such as structural, functional, and spatial information, amino acid conservation, physicochemical variation, residue mobility, and thermodynamic stability) indicates that this missense variant is not expected to disrupt TAB2 protein function with a negative predictive value of 80%. In summary, the available evidence is currently insufficient to determine the role of this variant in disease. Therefore, it has been classified as a Variant of Uncertain Significance.